The following is an entry in ClinVar:

NM_017636.4(TRPM4):c.2486T>C (p.Leu829Pro)

Gene: TRPM4 (transient receptor potential cation channel subfamily M member 4; plus strand). Cytogenetic location: 19q13.33.
Variant type: single nucleotide variant.
Coding change: c.2486T>C on transcript NM_017636.4 (MANE Select); coding-DNA position 2486, T replaced by C.
Protein change: p.Leu829Pro; replaces leucine 829 with proline.
Molecular consequence: missense variant. On other transcripts: intron variant (1).
Genome position (GRCh38, 1-based): chr19:49,196,715, T>C. VCF-style: chr19-49196715-T-C. GRCh37 (hg19) VCF-style: chr19-49699972-T-C.
Other names: c.2141T>C, p.Leu714Pro (NM_001321281.2); c.878T>C, p.Leu293Pro (NM_001321282.2); c.1964T>C, p.Leu655Pro (NM_001321283.2); c.1424T>C, p.Leu475Pro (NM_001321285.2); c.2211-3585T>C (NM_001195227.2); short protein forms L293P, L714P, L829P, L655P, L475P.
Identifiers: ClinVar variation 2777191 (VCV002777191.4), dbSNP rs1450462854, ClinGen allele CA406809329.
Genomic context (GRCh38, chr19:49,196,715, plus strand): 5'-CGCCCGGCTCCCTGGAGCTGCTGCTCTATTTCTGGGCTTTCACGCTGCTGTGCGAGGAAC[T>C]GCGCCAGGGCCTGAGCGGAGGCGGGGGCAGCCTCGCCAGCGGGGGCCCCGGGCCTGGCCA-3'
Protein context (NP_060106.2, residues 819-839): FWAFTLLCEE[Leu829Pro]RQGLSGGGGS

ClinVar aggregate classification (germline): Uncertain significance. Review status: criteria provided, multiple submitters, no conflicts (2 of 4 stars). 2 submissions from 2 submitters: Uncertain significance (2). Last evaluated 2024-11-05.

Conditions:
TRPM4-related disorder. Also called: TRPM4-related condition; TRPM4-related disorders. Identifiers: MedGen CN239424.
Progressive familial heart block type IB (PFHB1B). Identifiers: Orphanet 871, MedGen C1970298, MONDO:0011474, OMIM 604559.

gnomAD v4.1: 2 of 1,552,828 alleles (0.00013%); highest among the groups gnomAD compares: Non-Finnish European, 0.00017%; no homozygotes.

Submissions (2):

Labcorp Genetics (formerly Invitae), Labcorp
Classification: Uncertain significance for Progressive familial heart block type IB. Last evaluated: 2024-11-05. Review status: criteria provided, single submitter. Criteria: Invitae Variant Classification Sherloc (09022015). Collection method: clinical testing. Allele origin: germline.
Comment: This sequence change replaces leucine, which is neutral and non-polar, with proline, which is neutral and non-polar, at codon 829 of the TRPM4 protein (p.Leu829Pro). This variant is present in population databases (no rsID available, gnomAD 0.007%). This variant has not been reported in the literature in individuals affected with TRPM4-related conditions. ClinVar contains an entry for this variant (Variation ID: 2777191). An algorithm developed to predict the effect of missense changes on protein structure and function (PolyPhen-2) suggests that this variant is likely to be disruptive. In summary, the available evidence is currently insufficient to determine the role of this variant in disease. Therefore, it has been classified as a Variant of Uncertain Significance.

Clinical Genomics Laboratory, Stanford Medicine
Classification: Uncertain significance for TRPM4-related disorder. Last evaluated: 2022-10-27. Review status: criteria provided, single submitter. Criteria: ACMG Guidelines, 2015. Collection method: clinical testing. Allele origin: germline. Observed: 1 variant allele, 1 heterozygote.
Comment: The p.Leu829Pro variant in the TRPM4 gene has not been previously reported in association with disease. This variant has been identified in 1/15,412 European non-Finnish (1/31,358 chromosomes overall) by the Genome Aggregation Database. The leucine at position 829 is moderately evolutionarily conserved. Computational tools predict that the p.Leu829Pro variant is deleterious; however, the accuracy of in silico algorithms is limited. These data were assessed using the ACMG/AMP variant interpretation guidelines. In summary, the significance of the p.Leu829Pro variant is uncertain. Additional information is needed to resolve the significance of this variant. [ACMG evidence codes used: PM2; PP3]